The following is an entry in ClinVar:

ClinVar aggregate classification (germline): Pathogenic/Likely pathogenic. Review status: criteria provided, multiple submitters, no conflicts (2 of 4 stars). 6 submissions from 6 submitters: Pathogenic (4); Likely pathogenic (1). 1 of the submissions does not count toward it. Last evaluated 2025-05-28.

Conditions:
Fanconi anemia complementation group J. Also called: BRIP1-Related Fanconi Anemia. Identifiers: Orphanet 84, MedGen C1836860, MONDO:0012187, OMIM 609054.
Familial cancer of breast. Also called: BREAST CANCER, FAMILIAL; Hereditary breast cancer; hereditary breast carcinoma. Identifiers: Orphanet 227535, MedGen C0346153, MONDO:0016419, OMIM 114480. Disease mechanism: loss of function.
Ovarian cancer. Also called: OVARIAN CANCER, SOMATIC. Identifiers: Orphanet 213500, MedGen C1140680, MONDO:0008170, OMIM 167000.
Hereditary cancer-predisposing syndrome. Also called: Neoplastic Syndromes, Hereditary; Hereditary neoplastic syndrome; Tumor predisposition; Hereditary Cancer Syndrome. Identifiers: Orphanet 140162, MedGen C0027672, MeSH D009386, MONDO:0015356.

Submissions (6):

Ambry Genetics
Classification: Pathogenic for Hereditary cancer-predisposing syndrome. Last evaluated: 2025-05-28. Review status: criteria provided, single submitter. Criteria: Ambry Variant Classification Scheme 2023. Collection method: clinical testing. Allele origin: germline.
Comment: The c.78dupT pathogenic mutation, located in coding exon 1 of the BRIP1 gene, results from a duplication of T at nucleotide position 78, causing a translational frameshift with a predicted alternate stop codon (p.A27Cfs*42). In one study, this alteration was observed in 1/3236 cases with invasive epithelial ovarian cancer and 0/3431 controls (Ramus SJ et al. J Natl Cancer Inst, 2015 Nov;107:). This variant is considered to be rare based on population cohorts in the Genome Aggregation Database (gnomAD). In addition to the clinical data presented in the literature, this alteration is expected to result in loss of function by premature protein truncation or nonsense-mediated mRNA decay. As such, this alteration is interpreted as a disease-causing mutation.

Labcorp Genetics (formerly Invitae), Labcorp
Classification: Pathogenic for Familial cancer of breast; Fanconi anemia complementation group J. Last evaluated: 2025-01-14. Review status: criteria provided, single submitter. Criteria: Invitae Variant Classification Sherloc (09022015). Collection method: clinical testing. Allele origin: germline.
Comment: This sequence change creates a premature translational stop signal (p.Ala27Cysfs*42) in the BRIP1 gene. It is expected to result in an absent or disrupted protein product. Loss-of-function variants in BRIP1 are known to be pathogenic (PMID: 16116423, 17033622, 21964575). This variant is not present in population databases (gnomAD no frequency). This premature translational stop signal has been observed in individual(s) with ovarian cancer (PMID: 26315354). ClinVar contains an entry for this variant (Variation ID: 548896). For these reasons, this variant has been classified as Pathogenic.

Myriad Genetics, Inc.
Classification: Pathogenic for Familial cancer of breast. Last evaluated: 2023-02-27. Review status: criteria provided, single submitter. Criteria: Myriad Autosomal Dominant, Autosomal Recessive and X-Linked Classification Criteria (2023). Collection method: clinical testing. Allele origin: unknown.
Comment: This variant is considered pathogenic. This variant creates a frameshift predicted to result in premature protein truncation.

Institute of Medical Genetics and Applied Genomics, University Hospital Tübingen
Classification: Likely pathogenic. Last evaluated: 2020-10-23. Review status: criteria provided, single submitter. Criteria: ACMG Guidelines, 2015. Collection method: clinical testing. Allele origin: germline. Inheritance: Unknown mechanism. Affected: yes.

Color Diagnostics, LLC DBA Color Health
Classification: Pathogenic for Hereditary cancer-predisposing syndrome. Last evaluated: 2018-05-07. Review status: criteria provided, single submitter. Criteria: ACMG Guidelines, 2015. Collection method: clinical testing. Allele origin: germline.

Counsyl
Classification: Likely pathogenic for Fanconi anemia complementation group J; Ovarian cancer. Last evaluated: 2018-04-25. Review status: no assertion criteria provided. Collection method: clinical testing. Allele origin: unknown. Not counted in ClinVar's aggregate classification.

Literature cited by the submitters: PubMed 26315354 (cited by 3 submitters); PubMed 16116423 (cited by Labcorp Genetics (formerly Invitae), Labcorp); PubMed 17033622 (cited by Labcorp Genetics (formerly Invitae), Labcorp); PubMed 21964575 (cited by Labcorp Genetics (formerly Invitae), Labcorp).

NM_032043.3(BRIP1):c.78dup (p.Ala27fs)

Gene: BRIP1 (BRCA1 interacting DNA helicase 1; minus strand). Cytogenetic location: 17q23.2.
Variant type: Duplication.
Coding change: c.78dup on transcript NM_032043.3 (MANE Select); coding-DNA position 78, one base duplicated (T; older notation c.78dupT).
Protein change: p.Ala27fs; shifts the reading frame from alanine 27.
Molecular consequence: frameshift variant.
Genome position (GRCh38, 1-based): chr17:61,861,462, A duplicated on the plus strand (T on the coding strand, the reverse complement: BRIP1 is on the minus strand); the first of 2 consecutive A bases (chr17:61,861,462-61,861,463); duplicating either gives the same sequence. VCF-style (leftmost placement, unchanged base first): chr17-61861461-C-CA. GRCh37 (hg19) VCF-style: chr17-59938822-C-CA.
Other names: c.78dupT (NM_032043.2); short protein forms A27fs.
Identifiers: ClinVar variation 548896 (VCV000548896.21), dbSNP rs1555618709, ClinGen allele CA658824527.